The following is an entry in ClinVar:

NM_001378778.1(MPDZ):c.3509G>A (p.Arg1170Gln)

Gene: MPDZ (multiple PDZ domain crumbs cell polarity complex component; minus strand). Cytogenetic location: 9p23.
Variant type: single nucleotide variant.
Coding change: c.3509G>A on transcript NM_001378778.1 (MANE Select); coding-DNA position 3509, G replaced by A.
Protein change: p.Arg1170Gln; replaces arginine 1170 with glutamine.
Molecular consequence: missense variant.
Genome position (GRCh38, 1-based): chr9:13,150,632, C>T on the plus strand (G>A on the coding strand, the complement: MPDZ is on the minus strand). VCF-style: chr9-13150632-C-T. GRCh37 (hg19) VCF-style: chr9-13150631-C-T.
Other names: c.3509G>A, p.Arg1170Gln (NM_001261406.2, NM_001261407.2, NM_001330637.2 and 13 more transcripts); c.3311G>A, p.Arg1104Gln (NM_001375427.1); short protein forms R1170Q, R1104Q.
Identifiers: ClinVar variation 1934638 (VCV001934638.3), dbSNP rs768403539, ClinGen allele CA4987090.

ClinVar aggregate classification (germline): Uncertain significance. Review status: criteria provided, multiple submitters, no conflicts (2 of 4 stars). 2 submissions from 2 submitters: Uncertain significance (2). Last evaluated 2022-12-13.

Conditions:
Inborn genetic diseases. Identifiers: MedGen C0950123, MeSH D030342.

Allele frequency attached by ClinVar (database versions not stated): gnomAD 0.00001; ExAC 0.00003; gnomAD exomes 0.00003.
gnomAD v4.1: 43 of 1,526,608 alleles (0.0028%); highest among the groups gnomAD compares: Non-Finnish European, 0.0036%; no homozygotes.

Submissions (2):

Ambry Genetics
Classification: Uncertain significance for Inborn genetic diseases. Last evaluated: 2022-12-13. Review status: criteria provided, single submitter. Criteria: Ambry Variant Classification Scheme 2023. Collection method: clinical testing. Allele origin: germline.

Labcorp Genetics (formerly Invitae), Labcorp
Classification: Uncertain significance. Last evaluated: 2022-04-16. Review status: criteria provided, single submitter. Criteria: Invitae Variant Classification Sherloc (09022015). Collection method: clinical testing. Allele origin: germline.
Comment: This sequence change replaces arginine, which is basic and polar, with glutamine, which is neutral and polar, at codon 1170 of the MPDZ protein (p.Arg1170Gln). This variant is present in population databases (rs768403539, gnomAD 0.004%). This variant has not been reported in the literature in individuals affected with MPDZ-related conditions. Algorithms developed to predict the effect of missense changes on protein structure and function (SIFT, PolyPhen-2, Align-GVGD) all suggest that this variant is likely to be disruptive. In summary, the available evidence is currently insufficient to determine the role of this variant in disease. Therefore, it has been classified as a Variant of Uncertain Significance.